The following is an entry in ClinVar:

NC_000015.9:g.(?_23043279)_(23086436_?)dup

Genes: NIPA1 (NIPA magnesium transporter 1; plus strand), LOC130056713 (ATAC-STARR-seq lymphoblastoid active region 9155; plus strand), LOC130056712 (ATAC-STARR-seq lymphoblastoid active region 9154; plus strand), LOC130056709 (ATAC-STARR-seq lymphoblastoid silent region 6259; plus strand), LOC130056711 (ATAC-STARR-seq lymphoblastoid silent region 6261; plus strand) and 1 more. Cytogenetic location: 15q11.2.
Variant type: Duplication.
Identifiers: ClinVar variation 417310 (VCV000417310.1).

ClinVar aggregate classification (germline): Uncertain significance (1 of 4 stars; one submission).

Conditions:
Hereditary spastic paraplegia 6 (SPG6). Also called: SPASTIC PARAPLEGIA 6, AUTOSOMAL DOMINANT. Identifiers: Orphanet 100988, MedGen C1838192, MONDO:0010878, OMIM 600363.

Submission:

Labcorp Genetics (formerly Invitae), Labcorp
Classification: Uncertain significance for Hereditary spastic paraplegia 6. Last evaluated: 2016-09-14. Review status: criteria provided, single submitter. Criteria: Invitae Variant Classification Sherloc (09022015). Collection method: clinical testing. Allele origin: germline.
Comment: A gross duplication of the genomic region encompassing the coding sequence of the NIPA1 gene has been identified. The boundaries of this event are unknown as the duplication extends beyond the assayed region for this gene and therefore may encompass additional genes. As the precise location of this duplication is unknown, it may be in tandem or it may be located elsewhere in the genome. This variant has not been previously reported in the literature, and only missense changes in NIPA1 have been reported to cause hereditary spastic paraplegia (PMID: 14508710, 15643603). However, microduplications involving NIPA1 and additional genes have been reported in individuals affected with autism spectrum disorder (PMID: 20029941, 23032108). For these reasons, this duplication has been classified as a Variant of Uncertain Significance.